The following is an entry in ClinVar:

NM_000166.6(GJB1):c.576del (p.Phe193fs)

Gene: GJB1 (gap junction protein beta 1; plus strand). Cytogenetic location: Xq13.1.
Variant type: Deletion.
Coding change: c.576del on transcript NM_000166.6 (MANE Select); coding-DNA position 576, one base deleted (C; older notation c.576delC).
Protein change: p.Phe193fs; shifts the reading frame from phenylalanine 193.
Molecular consequence: frameshift variant.
Genome position (GRCh38, 1-based): chrX:71,224,283, C deleted. VCF-style (leftmost placement, unchanged base first): chrX-71224282-TC-T. GRCh37 (hg19) VCF-style: chrX-70444132-TC-T.
Other names: c.576del, p.Phe193fs (NM_001097642.3); short protein forms F193fs.
Identifiers: ClinVar variation 637162 (VCV000637162.3), dbSNP rs1602349692, ClinGen allele CA915951214.

ClinVar aggregate classification (germline): Pathogenic. Review status: criteria provided, single submitter (1 of 4 stars). 3 submissions from 3 submitters: Pathogenic (1). 2 of the submissions do not count toward it. Last evaluated 2025-07-23.

Conditions:
Charcot-Marie-Tooth Neuropathy X. Identifiers: MedGen CN118851.
Charcot-Marie-Tooth disease. Also called: Charcot-Marie-Tooth Hereditary Neuropathy; Charcot-Marie-Tooth Neuropathy. Identifiers: Orphanet 166, MedGen C0007959, MONDO:0015626.
Charcot-Marie-Tooth disease X-linked dominant 1. Also called: Charcot-Marie-Tooth Neuropathy X Type 1; X-linked Charcot-Marie-Tooth disease type 1; GJB1 Disorders: Charcot-Marie-Tooth Neuropathy (CMT1X) and Central Nervous System Phenotypes; CHARCOT-MARIE-TOOTH NEUROPATHY, X-LINKED, 1; CHARCOT-MARIE-TOOTH PERONEAL MUSCULAR ATROPHY, X-LINKED; HEREDITARY MOTOR AND SENSORY NEUROPATHY, X-LINKED. Identifiers: Orphanet 101075, MedGen C0393808, MONDO:0010549, OMIM 302800.

Submissions (3):

Labcorp Genetics (formerly Invitae), Labcorp
Classification: Pathogenic for Charcot-Marie-Tooth Neuropathy X. Last evaluated: 2025-07-23. Review status: criteria provided, single submitter. Criteria: Invitae Variant Classification Sherloc (09022015). Collection method: clinical testing. Allele origin: germline.
Comment: This sequence change creates a premature translational stop signal (p.Phe193Serfs*3) in the GJB1 gene. While this is not anticipated to result in nonsense mediated decay, it is expected to disrupt the last 91 amino acid(s) of the GJB1 protein. This variant is not present in population databases (gnomAD no frequency). This premature translational stop signal has been observed in individual(s) with Charcot-Marie-Tooth disease (PMID: 25614874). ClinVar contains an entry for this variant (Variation ID: 637162). This variant disrupts a region of the GJB1 protein in which other variant(s) (p.Arg215Pro) have been determined to be pathogenic (PMID: 27844031; Internal data). This suggests that this is a clinically significant region of the protein, and that variants that disrupt it are likely to be disease-causing. For these reasons, this variant has been classified as Pathogenic.

Inherited Neuropathy Consortium Ii, University Of Miami
Classification: Uncertain significance for Charcot-Marie-Tooth disease X-linked dominant 1. Last evaluated: 2016-01-06. Review status: no assertion criteria provided. Collection method: literature only. Allele origin: germline. Affected: yes. Not counted in ClinVar's aggregate classification.

Inherited Neuropathy Consortium
Classification: Pathogenic for Charcot-Marie-Tooth disease. Review status: no assertion criteria provided. Collection method: literature only. Allele origin: germline. Affected: yes. Not counted in ClinVar's aggregate classification.

Literature cited by the submitters: PubMed 25614874 (cited by 3 submitters); PubMed 27844031 (cited by Labcorp Genetics (formerly Invitae), Labcorp).